The following is an entry in ClinVar:

ClinVar aggregate classification (germline): Benign/Likely benign. Review status: criteria provided, multiple submitters, no conflicts (2 of 4 stars). 6 submissions from 6 submitters: Benign (1); Likely benign (4). 1 of the submissions does not count toward it. Last evaluated 2025-12-29.

Conditions:
NEBL-related disorder. Also called: NEBL-related condition.
Primary dilated cardiomyopathy (DCM). Also called: Dilated Cardiomyopathy. Identifiers: Orphanet 217604, MedGen C0007193, MeSH D002311, MONDO:0005021, HP:0001644. Inheritance: Various modes of inheritance.

Allele frequency attached by ClinVar (database versions not stated): 1000 Genomes Project 30x 0.00016; 1000 Genomes Project 0.00020; gnomAD 0.00021 and 0.00022; TOPMed 0.00022; ESP Exome Variant Server 0.00023; gnomAD exomes 0.00025 and 0.00048; ExAC 0.00034.
gnomAD v4.1: 421 of 1,613,608 alleles (0.026%); highest among the groups gnomAD compares: Middle Eastern, 0.18%; 3 homozygotes.

Submissions (6):

Labcorp Genetics (formerly Invitae), Labcorp
Classification: Likely benign for Primary dilated cardiomyopathy. Last evaluated: 2025-12-29. Review status: criteria provided, single submitter. Criteria: Invitae Variant Classification Sherloc (09022015). Collection method: clinical testing. Allele origin: germline.

Women's Health and Genetics/Laboratory Corporation of America, LabCorp
Classification: Benign. Last evaluated: 2025-05-09. Review status: criteria provided, single submitter. Criteria: LabCorp Variant Classification Summary - May 2015. Collection method: clinical testing. Allele origin: germline.
Comment: Variant summary: NEBL c.2673A>G alters a conserved nucleotide resulting in a synonymous change. Several computational tools predict a significant impact on normal splicing: Two predict the variant creates a cryptic 5' donor site. Two predict the variant strengthens a cryptic 5' donor site. However, these predictions have yet to be confirmed by functional studies. The variant allele was found at a frequency of 0.00048 in 250952 control chromosomes. The observed variant frequency is approximately 61.21 fold of the estimated maximal expected allele frequency for a pathogenic variant in NEBL causing Dilated Cardiomyopathy phenotype (7.8e-06). To our knowledge, no occurrence of c.2673A>G in individuals affected with Dilated Cardiomyopathy and no experimental evidence demonstrating its impact on protein function have been reported. ClinVar contains an entry for this variant (Variation ID: 378267). Based on the evidence outlined above, the variant was classified as benign.

GeneDx
Classification: Likely benign. Last evaluated: 2023-11-14. Review status: criteria provided, single submitter. Criteria: GeneDx Variant Classification Process June 2021. Collection method: clinical testing. Allele origin: germline. Affected: yes.
Comment: See Variant Classification Assertion Criteria.

Ambry Genetics
Classification: Likely benign. Last evaluated: 2022-04-19. Review status: criteria provided, single submitter. Criteria: Ambry Variant Classification Scheme 2023. Collection method: clinical testing. Allele origin: germline.

Breakthrough Genomics
Classification: Likely benign. Review status: criteria provided, single submitter. Criteria: ACMG Guidelines, 2015. Collection method: not provided. Allele origin: germline. Inheritance: Unknown mechanism. Affected: yes.

PreventionGenetics, part of Exact Sciences
Classification: Benign for NEBL-related condition. Last evaluated: 2019-08-14. Review status: no assertion criteria provided. Collection method: clinical testing. Allele origin: germline. Not counted in ClinVar's aggregate classification.
Comment: This variant is classified as benign based on ACMG/AMP sequence variant interpretation guidelines (Richards et al. 2015 PMID: 25741868, with internal and published modifications).

NM_006393.3(NEBL):c.2673A>G (p.Thr891=)

Gene: NEBL (nebulette; minus strand). Cytogenetic location: 10p12.31.
Variant type: single nucleotide variant.
Coding change: c.2673A>G on transcript NM_006393.3 (MANE Select); coding-DNA position 2673, A replaced by G.
Protein change: p.Thr891=; no amino-acid change (threonine 891 retained).
Molecular consequence: synonymous variant. On other transcripts: intron variant (9).
Genome position (GRCh38, 1-based): chr10:20,808,598, T>C on the plus strand (A>G on the coding strand, the complement: NEBL is on the minus strand). VCF-style: chr10-20808598-T-C. GRCh37 (hg19) VCF-style: chr10-21097527-T-C.
Other names: c.421+4171A>G (NM_001377326.1, NM_001377327.1, NM_001377328.1); c.529+4171A>G (NM_213569.2, NM_001173484.2); c.622+1208A>G (NM_001377322.1); c.472+4171A>G (NM_001377324.1); c.463+4171A>G (NM_001377325.1); c.481+4171A>G (NM_001377323.1).
Identifiers: ClinVar variation 378267 (VCV000378267.20), dbSNP rs202127185, ClinGen allele CA5432367.